The following is an entry in ClinVar:

ClinVar aggregate classification (germline): Pathogenic (1 of 4 stars; one submission).

Conditions:
Hereditary cancer-predisposing syndrome. Also called: Hereditary Cancer Syndrome; Hereditary neoplastic syndrome; Neoplastic Syndromes, Hereditary; Tumor predisposition. Identifiers: Orphanet 140162, MedGen C0027672, MeSH D009386, MONDO:0015356.

Submission:

Ambry Genetics
Classification: Pathogenic for Hereditary cancer-predisposing syndrome. Last evaluated: 2017-03-03. Review status: criteria provided, single submitter. Criteria: Ambry Variant Classification Scheme 2023. Collection method: clinical testing. Allele origin: germline.
Comment: The c.4364_4368delATAAA pathogenic mutation, located in coding exon 15 of the APC gene, results from a deletion of 5 nucleotides at nucleotide positions 4364 to 4368, causing a translational frameshift with a predicted alternate stop codon (p.N1455Sfs*5). In addition to the clinical data presented in the literature, this alteration is expected to result in loss of function by premature protein truncation or nonsense-mediated mRNA decay. As such, this alteration is interpreted as a disease-causing mutation.

Literature cited by the submitters: PubMed 20223039.

NM_000038.6(APC):c.4364_4368del (p.Asn1455fs)

Gene: APC (APC regulator of Wnt signaling pathway; plus strand). Cytogenetic location: 5q22.2.
Variant type: Deletion.
Coding change: c.4364_4368del on transcript NM_000038.6 (MANE Select); coding-DNA positions 4364 to 4368, 5 bases deleted (ATAAA; older notation c.4364_4368delATAAA).
Protein change: p.Asn1455fs; shifts the reading frame from asparagine 1455.
Molecular consequence: frameshift variant.
Genome position (GRCh38, 1-based): chr5:112,839,958-112,839,962, ATAAA deleted; deleting any 5 consecutive bases within chr5:112,839,955-112,839,962 gives the same sequence; the c. name uses the placement nearest the transcript's 3' end. VCF-style (leftmost placement, unchanged base first): chr5-112839954-AAAAAT-A. GRCh37 (hg19) VCF-style: chr5-112175651-AAAAAT-A.
Other names: c.4364_4368del, p.Asn1455fs (NM_001127510.3, NM_001354895.2); c.4310_4314del, p.Asn1437fs (NM_001127511.3); c.4418_4422del, p.Asn1473fs (NM_001354896.2); c.4394_4398del, p.Asn1465fs (NM_001354897.2); c.4289_4293del, p.Asn1430fs (NM_001354898.2); c.4280_4284del, p.Asn1427fs (NM_001354899.2); c.4241_4245del, p.Asn1414fs (NM_001354900.2); c.4187_4191del, p.Asn1396fs (NM_001354901.2); and 16 more; short protein forms N1172fs, N1414fs, N1427fs, N1430fs, N1455fs, N1364fs, N1396fs, N1295fs.
Identifiers: ClinVar variation 1740037 (VCV001740037.2), dbSNP rs2533568987, ClinGen allele CA658760704.